The following is an entry in ClinVar:

ClinVar aggregate classification (germline): Uncertain significance (1 of 4 stars; one submission).

Conditions:
Isolated microphthalmia 6. Also called: MICROPHTHALMIA, POSTERIOR NONSYNDROMIC. Identifiers: Orphanet 2542, MedGen C3150757, MONDO:0013293, OMIM 613517.

Allele frequency attached by ClinVar (database versions not stated): gnomAD 0.00002 and 0.00003; gnomAD exomes 0.00002 and 0.00006; TOPMed 0.00003; 1000 Genomes Project 30x 0.00031.
gnomAD v4.1: 37 of 1,529,408 alleles (0.0024%); highest among the groups gnomAD compares: Admixed American, 0.016%; no homozygotes.

Submission:

Labcorp Genetics (formerly Invitae), Labcorp
Classification: Uncertain significance for Isolated microphthalmia 6. Last evaluated: 2024-10-17. Review status: criteria provided, single submitter. Criteria: Invitae Variant Classification Sherloc (09022015). Collection method: clinical testing. Allele origin: germline.
Comment: This sequence change replaces arginine, which is basic and polar, with tryptophan, which is neutral and slightly polar, at codon 444 of the PRSS56 protein (p.Arg444Trp). This variant is present in population databases (no rsID available, gnomAD 0.02%). This variant has not been reported in the literature in individuals affected with PRSS56-related conditions. ClinVar contains an entry for this variant (Variation ID: 1421148). Experimental studies and prediction algorithms are not available or were not evaluated, and the functional significance of this variant is currently unknown. In summary, the available evidence is currently insufficient to determine the role of this variant in disease. Therefore, it has been classified as a Variant of Uncertain Significance.

NM_001195129.2(PRSS56):c.1330C>T (p.Arg444Trp)

Gene: PRSS56 (serine protease 56; plus strand). Cytogenetic location: 2q37.1.
Variant type: single nucleotide variant.
Coding change: c.1330C>T on transcript NM_001195129.2 (MANE Select); coding-DNA position 1330, C replaced by T.
Protein change: p.Arg444Trp; replaces arginine 444 with tryptophan.
Molecular consequence: missense variant.
Genome position (GRCh38, 1-based): chr2:232,524,182, C>T. VCF-style: chr2-232524182-C-T. GRCh37 (hg19) VCF-style: chr2-233388892-C-T.
Other names: c.1333C>T, p.Arg445Trp (NM_001369848.1); short protein forms R445W, R444W.
Identifiers: ClinVar variation 1421148 (VCV001421148.6), dbSNP rs1227274904, ClinGen allele CA350993805.